The following is an entry in ClinVar:

NM_001286577.2(C2CD3):c.2151C>T (p.Asn717=)

Gene: C2CD3 (C2 domain containing 3 centriole elongation regulator; minus strand). Cytogenetic location: 11q13.4.
Variant type: single nucleotide variant.
Coding change: c.2151C>T on transcript NM_001286577.2 (MANE Select); coding-DNA position 2151, C replaced by T.
Protein change: p.Asn717=; no amino-acid change (asparagine 717 retained).
Molecular consequence: synonymous variant.
Genome position (GRCh38, 1-based): chr11:74,103,560, G>A on the plus strand (C>T on the coding strand, the complement: C2CD3 is on the minus strand). VCF-style: chr11-74103560-G-A. GRCh37 (hg19) VCF-style: chr11-73814605-G-A.
Other names: c.2151C>T, p.Asn717= (NM_015531.6).
Identifiers: ClinVar variation 783633 (VCV000783633.16), dbSNP rs61738909, ClinGen allele CA6182700.

ClinVar aggregate classification (germline): Benign. Review status: criteria provided, multiple submitters, no conflicts (2 of 4 stars). 4 submissions from 4 submitters: Benign (3). 1 of the submissions does not count toward it. Last evaluated 2026-02-01.

Conditions:
C2CD3-related disorder. Also called: C2CD3-related condition.

Allele frequency attached by ClinVar (database versions not stated): gnomAD exomes 0.00264 and 0.00686; ExAC 0.00816; 1000 Genomes Project 0.02157; 1000 Genomes Project 30x 0.02280; gnomAD 0.02295 and 0.02486; TOPMed 0.02527; ESP Exome Variant Server 0.02726.
gnomAD v4.1: 7,584 of 1,613,314 alleles (0.47%); highest among the groups gnomAD compares: African/African-American, 8.1%; 268 homozygotes.

Submissions (4):

Labcorp Genetics (formerly Invitae), Labcorp
Classification: Benign. Last evaluated: 2026-02-01. Review status: criteria provided, single submitter. Criteria: Invitae Variant Classification Sherloc (09022015). Collection method: clinical testing. Allele origin: germline.

GeneDx
Classification: Benign. Last evaluated: 2021-05-06. Review status: criteria provided, single submitter. Criteria: GeneDx Variant Classification Process June 2021. Collection method: clinical testing. Allele origin: germline. Affected: yes.

Breakthrough Genomics
Classification: Benign. Review status: criteria provided, single submitter. Criteria: ACMG Guidelines, 2015. Collection method: not provided. Allele origin: germline. Inheritance: Autosomal recessive inheritance. Affected: yes.

PreventionGenetics, part of Exact Sciences
Classification: Benign for C2CD3-related condition. Last evaluated: 2019-08-13. Review status: no assertion criteria provided. Collection method: clinical testing. Allele origin: germline. Not counted in ClinVar's aggregate classification.
Comment: This variant is classified as benign based on ACMG/AMP sequence variant interpretation guidelines (Richards et al. 2015 PMID: 25741868, with internal and published modifications).